The following is an entry in ClinVar:

NM_014014.5(SNRNP200):c.5458G>A (p.Ala1820Thr)

Gene: SNRNP200 (small nuclear ribonucleoprotein U5 subunit 200; minus strand). Cytogenetic location: 2q11.2.
Variant type: single nucleotide variant.
Coding change: c.5458G>A on transcript NM_014014.5 (MANE Select); coding-DNA position 5458, G replaced by A.
Protein change: p.Ala1820Thr; replaces alanine 1820 with threonine.
Molecular consequence: missense variant.
Genome position (GRCh38, 1-based): chr2:96,278,577, C>T on the plus strand (G>A on the coding strand, the complement: SNRNP200 is on the minus strand). VCF-style: chr2-96278577-C-T. GRCh37 (hg19) VCF-style: chr2-96944315-C-T.
Other names: short protein forms A1820T.
Identifiers: ClinVar variation 4797158 (VCV004797158.1).

ClinVar aggregate classification (germline): Uncertain significance (1 of 4 stars; one submission).

gnomAD v4.1: 1 of 1,614,084 alleles (0.000062%); highest among the groups gnomAD compares: Non-Finnish European, 0.000085%; no homozygotes.

Submission:

Labcorp Genetics (formerly Invitae), Labcorp
Classification: Uncertain significance. Last evaluated: 2025-11-22. Review status: criteria provided, single submitter. Criteria: Invitae Variant Classification Sherloc (09022015). Collection method: clinical testing. Allele origin: germline.
Comment: This sequence change replaces alanine, which is neutral and non-polar, with threonine, which is neutral and polar, at codon 1820 of the SNRNP200 protein (p.Ala1820Thr). This variant is not present in population databases (gnomAD no frequency). This variant has not been reported in the literature in individuals affected with SNRNP200-related conditions. Invitae Evidence Modeling of protein sequence and biophysical properties (such as structural, functional, and spatial information, amino acid conservation, physicochemical variation, residue mobility, and thermodynamic stability) has been performed for this missense variant. However, the output from this modeling did not meet the statistical confidence thresholds required to predict the impact of this variant on SNRNP200 protein function. In summary, the available evidence is currently insufficient to determine the role of this variant in disease. Therefore, it has been classified as a Variant of Uncertain Significance.